The following is an entry in ClinVar:

ClinVar aggregate classification (germline): Likely benign. Review status: criteria provided, multiple submitters, no conflicts (2 of 4 stars). 2 submissions from 2 submitters: Likely benign (2). Last evaluated 2018-01-12.

Conditions:
Colorectal cancer, hereditary nonpolyposis, type 7. Identifiers: Orphanet 144, MedGen C1858380, MONDO:0013725, OMIM 614385.

Allele frequency attached by ClinVar (database versions not stated): gnomAD exomes 0.01085; 1000 Genomes Project 30x 0.02545; gnomAD 0.01922 and 0.01892; TOPMed 0.01989; 1000 Genomes Project 0.02516.

Submissions (2):

Illumina Laboratory Services, Illumina
Classification: Likely benign for Colorectal cancer, hereditary nonpolyposis, type 7. Last evaluated: 2018-01-12. Review status: criteria provided, single submitter. Criteria: ICSL Variant Classification Criteria 13 December 2019. Collection method: clinical testing. Allele origin: germline.
Comment: This variant was observed in the ICSL laboratory as part of a predisposition screen in an ostensibly healthy population. It had not been previously curated by ICSL or reported in the Human Gene Mutation Database (HGMD: prior to June 1st, 2018), and was therefore a candidate for classification through an automated scoring system. Utilizing variant allele frequency, disease prevalence and penetrance estimates, and inheritance mode, an automated score was calculated to assess if this variant is too frequent to cause the disease. Based on the score and internal cut-off values, a variant classified as likely benign is not then subjected to further curation. The score for this variant resulted in a classification of likely benign for this disease.

Breakthrough Genomics
Classification: Likely benign. Review status: criteria provided, single submitter. Criteria: ACMG Guidelines, 2015. Collection method: not provided. Allele origin: germline. Inheritance: Autosomal dominant inheritance. Affected: yes.

NM_001040108.2(MLH3):c.*1896A>G

Gene: MLH3 (mutL homolog 3; minus strand). Cytogenetic location: 14q24.3.
Variant type: single nucleotide variant.
Coding change: c.*1896A>G on transcript NM_001040108.2 (MANE Select); 1896 bases downstream of the stop codon, A replaced by G.
Molecular consequence: 3 prime UTR variant.
Genome position (GRCh38, 1-based): chr14:75,015,186, T>C on the plus strand (A>G on the coding strand, the complement: MLH3 is on the minus strand). VCF-style: chr14-75015186-T-C. GRCh37 (hg19) VCF-style: chr14-75481889-T-C.
Other names: c.*1896A>G (NM_014381.3).
Identifiers: ClinVar variation 314355 (VCV000314355.6), dbSNP rs28757059, ClinGen allele CA10646123.